The following is an entry in ClinVar:

ClinVar aggregate classification (germline): Uncertain significance (1 of 4 stars; one submission).

Allele frequency attached by ClinVar (database versions not stated): gnomAD exomes below 0.00001.
gnomAD v4.1: 1 of 1,601,960 alleles (0.000062%); no homozygotes.

Submission:

GeneDx
Classification: Uncertain significance. Last evaluated: 2025-10-08. Review status: criteria provided, single submitter. Criteria: GeneDx Variant Classification Process June 2021. Collection method: clinical testing. Allele origin: germline. Affected: yes.
Comment: Not observed at significant frequency in large population cohorts (gnomAD); In silico analysis supports that this missense variant has a deleterious effect on protein structure/function; Has not been previously published as pathogenic or benign to our knowledge

NM_001100913.3(PACS2):c.2472G>T (p.Lys824Asn)

Gene: PACS2 (phosphofurin acidic cluster sorting protein 2; plus strand). Cytogenetic location: 14q32.33.
Variant type: single nucleotide variant.
Coding change: c.2472G>T on transcript NM_001100913.3 (MANE Select); coding-DNA position 2472, G replaced by T.
Protein change: p.Lys824Asn; replaces lysine 824 with asparagine.
Molecular consequence: missense variant.
Genome position (GRCh38, 1-based): chr14:105,392,835, G>T. VCF-style: chr14-105392835-G-T. GRCh37 (hg19) VCF-style: chr14-105859172-G-T.
Other names: c.2202G>T, p.Lys734Asn (NM_001243127.3); c.2427G>T, p.Lys809Asn (NM_015197.4); short protein forms K734N, K809N, K824N.
Identifiers: ClinVar variation 2442763 (VCV002442763.2), dbSNP rs1001663611, ClinGen allele CA266584006.